The following is an entry in ClinVar:

NM_001376.5(DYNC1H1):c.6779G>A (p.Ser2260Asn)

Gene: DYNC1H1 (dynein cytoplasmic 1 heavy chain 1; plus strand). Cytogenetic location: 14q32.31.
Variant type: single nucleotide variant.
Coding change: c.6779G>A on transcript NM_001376.5 (MANE Select); coding-DNA position 6779, G replaced by A.
Protein change: p.Ser2260Asn; replaces serine 2260 with asparagine.
Molecular consequence: missense variant.
Genome position (GRCh38, 1-based): chr14:102,012,035, G>A. VCF-style: chr14-102012035-G-A. GRCh37 (hg19) VCF-style: chr14-102478372-G-A.
Other names: short protein forms S2260N.
Identifiers: ClinVar variation 2000295 (VCV002000295.5), dbSNP rs2503756774, ClinGen allele CA391057818.
Genomic context (GRCh38, chr14:102,012,035, plus strand): 5'-CATTGGAGAGACTCGAGGGTGTGGAAGGTGTGGCCCATATCATCGACCCCAAGGCCATCA[G>A]CAAAGACCACCTCTACGGAACCCTGGACCCCAACACCAGGGAATGGACAGATGGGCTCTT-3'
Protein context (NP_001367.2, residues 2250-2270): VAHIIDPKAI[Ser2260Asn]KDHLYGTLDP

ClinVar aggregate classification (germline): Uncertain significance. Review status: criteria provided, multiple submitters, no conflicts (2 of 4 stars). 2 submissions from 2 submitters: Uncertain significance (2). Last evaluated 2025-01-22.

Conditions:
Charcot-Marie-Tooth disease axonal type 2O. Also called: CHARCOT-MARIE-TOOTH NEUROPATHY, AXONAL, TYPE 2O; CHARCOT-MARIE-TOOTH DISEASE, AXONAL, AUTOSOMAL DOMINANT, TYPE 2O; Charcot-Marie-Tooth Neuropathy Type 2O; Charcot-Marie-Tooth disease, axonal, type 20. Identifiers: Orphanet 284232, MedGen C3280220, MONDO:0013644, OMIM 614228.

Submissions (2):

GeneDx
Classification: Uncertain significance. Last evaluated: 2025-01-22. Review status: criteria provided, single submitter. Criteria: GeneDx Variant Classification Process June 2021. Collection method: clinical testing. Allele origin: germline. Affected: yes.
Comment: Not observed at significant frequency in large population cohorts (gnomAD); In silico analysis indicates that this missense variant does not alter protein structure/function; Has not been previously published as pathogenic or benign to our knowledge; This variant is associated with the following publications: (PMID: 25512093, 25609763, 26100331)

Labcorp Genetics (formerly Invitae), Labcorp
Classification: Uncertain significance for Charcot-Marie-Tooth disease axonal type 2O. Last evaluated: 2024-01-01. Review status: criteria provided, single submitter. Criteria: Invitae Variant Classification Sherloc (09022015). Collection method: clinical testing. Allele origin: germline.
Comment: This sequence change replaces serine, which is neutral and polar, with asparagine, which is neutral and polar, at codon 2260 of the DYNC1H1 protein (p.Ser2260Asn). This variant is not present in population databases (gnomAD no frequency). This variant has not been reported in the literature in individuals affected with DYNC1H1-related conditions. ClinVar contains an entry for this variant (Variation ID: 2000295). Advanced modeling of protein sequence and biophysical properties (such as structural, functional, and spatial information, amino acid conservation, physicochemical variation, residue mobility, and thermodynamic stability) has been performed at Invitae for this missense variant, however the output from this modeling did not meet the statistical confidence thresholds required to predict the impact of this variant on DYNC1H1 protein function. In summary, the available evidence is currently insufficient to determine the role of this variant in disease. Therefore, it has been classified as a Variant of Uncertain Significance.